The following is an entry in ClinVar:

NM_001244008.2(KIF1A):c.3064-13C>T

Gene: KIF1A (kinesin family member 1A; minus strand). Cytogenetic location: 2q37.3.
Variant type: single nucleotide variant.
Coding change: c.3064-13C>T on transcript NM_001244008.2 (MANE Select); 13 bases into the intron before coding-DNA position 3064, C replaced by T.
Molecular consequence: intron variant.
Genome position (GRCh38, 1-based): chr2:240,746,190, G>A on the plus strand (C>T on the coding strand, the complement: KIF1A is on the minus strand). VCF-style: chr2-240746190-G-A. GRCh37 (hg19) VCF-style: chr2-241685607-G-A.
Other names: c.2761-13C>T (NM_001379653.1, NM_001379650.1, NM_001379640.1 and 6 more transcripts); c.3037-13C>T (NM_001379645.1, NM_001379633.1, NM_001379642.1); c.2863-13C>T (NM_001379635.1, NM_001330290.2, NM_001379646.1 and 1 more transcripts); c.3013-13C>T (NM_001379632.1); c.2836-13C>T (NM_001379637.1, NM_001379648.1); c.2788-13C>T (NM_001320705.2, NM_001379638.1, NM_001330289.2); c.3139-13C>T (NM_001379631.1).
Identifiers: ClinVar variation 931740 (VCV000931740.12), dbSNP rs779347174, ClinGen allele CA2207909.
Genomic context (GRCh38, chr2:240,746,190, plus strand): 5'-GGTTCCCGAGCGGGACATCCCCACCACGGGGCAAGACTCGGACTGGAACTGATCAGAGGG[G>A]GACCAGAGTCAGAGAGAGCCAGGAGCCAGCCGAGGAGGGGCACCGTAGACCCTGCCACAG-3'

ClinVar aggregate classification (germline): Conflicting classifications of pathogenicity. Review status: criteria provided, conflicting classifications (1 of 4 stars). 3 submissions from 3 submitters: Uncertain significance (1); Likely benign (2). Last evaluated 2024-10-07.

Conditions:
Neuropathy, hereditary sensory and autonomic, type 2A (HSAN2A). Also called: WNK1-Related HSAN2 (HSAN2A); HSAN IIA; MORVAN DISEASE; NEUROPATHY, CONGENITAL SENSORY; NEUROPATHY, HEREDITARY SENSORY RADICULAR, AUTOSOMAL RECESSIVE; NEUROPATHY, HEREDITARY SENSORY, TYPE IIA. Identifiers: Orphanet 970, MedGen C2752089, MONDO:0024309, OMIM 201300.
Neuropathy, hereditary sensory, type 2C. Also called: KIF1A-Related HSAN2 (HSAN2C); Hereditary sensory and autonomic neuropathy type IIC. Identifiers: Orphanet 970, MedGen C3280168, MONDO:0013634, OMIM 614213.
Intellectual disability, autosomal dominant 9 (NESCAVS). Also called: KIF1A-Related Neurodevelopmental Disorder; NESCAV SYNDROME. Identifiers: Orphanet 662367, MedGen C5393830, MONDO:0013656, OMIM 614255.
Hereditary spastic paraplegia 30. Identifiers: Orphanet 101010, MedGen C5235139, MONDO:0012476.

Allele frequency attached by ClinVar (database versions not stated): ExAC below 0.00001; TOPMed below 0.00001; gnomAD 0.00001; gnomAD exomes 0.00002.
gnomAD v4.1: 13 of 1,556,378 alleles (0.00084%); highest among the groups gnomAD compares: Non-Finnish European, 0.0011%; no homozygotes.

Submissions (3):

Blueprint Genetics
Classification: Likely benign. Last evaluated: 2024-10-07. Review status: criteria provided, single submitter. Criteria: ACMG Guidelines, 2015. Collection method: clinical testing. Allele origin: germline.

Labcorp Genetics (formerly Invitae), Labcorp
Classification: Likely benign for Hereditary spastic paraplegia 30; Neuropathy, hereditary sensory, type 2C; Intellectual disability, autosomal dominant 9. Last evaluated: 2024-03-13. Review status: criteria provided, single submitter. Criteria: Invitae Variant Classification Sherloc (09022015). Collection method: clinical testing. Allele origin: germline.

Centre for Mendelian Genomics, University Medical Centre Ljubljana
Classification: Uncertain significance for Neuropathy, hereditary sensory and autonomic, type 2A. Last evaluated: 2019-09-06. Review status: criteria provided, single submitter. Criteria: ACMG Guidelines, 2015. Collection method: clinical testing. Allele origin: unknown. Affected: yes.
Comment: This variant was classified as: Uncertain significance. The available evidence on this variant's pathogenicity is insufficient or conflicting. The following ACMG criteria were applied in classifying this variant: BP4.